The following is an entry in ClinVar:

NM_001099403.2(PRDM8):c.1426G>A (p.Gly476Ser)

Gene: PRDM8 (PR/SET domain 8; plus strand). Cytogenetic location: 4q21.21.
Variant type: single nucleotide variant.
Coding change: c.1426G>A on transcript NM_001099403.2 (MANE Select); coding-DNA position 1426, G replaced by A.
Protein change: p.Gly476Ser; replaces glycine 476 with serine.
Molecular consequence: missense variant.
Genome position (GRCh38, 1-based): chr4:80,202,888, G>A. VCF-style: chr4-80202888-G-A. GRCh37 (hg19) VCF-style: chr4-81124042-G-A.
Other names: c.1426G>A, p.Gly476Ser (NM_020226.4); short protein forms G476S.
Identifiers: ClinVar variation 659215 (VCV000659215.8), dbSNP rs1157815573, ClinGen allele CA357400744.

ClinVar aggregate classification (germline): Uncertain significance (1 of 4 stars; one submission).

Conditions:
Early-onset Lafora body disease. Also called: Epilepsy, progressive myoclonic, 10. Identifiers: Orphanet 324290, MedGen C4225258, MONDO:0014717, OMIM 616640.

Allele frequency attached by ClinVar (database versions not stated): gnomAD exomes below 0.00001; gnomAD 0.00001.
gnomAD v4.1: 4 of 1,316,376 alleles (0.0003%); highest among the groups gnomAD compares: Non-Finnish European, 0.00038%; no homozygotes.

Submission:

Labcorp Genetics (formerly Invitae), Labcorp
Classification: Uncertain significance for Early-onset Lafora body disease. Last evaluated: 2020-09-01. Review status: criteria provided, single submitter. Criteria: Invitae Variant Classification Sherloc (09022015). Collection method: clinical testing. Allele origin: germline.
Comment: This variant has not been reported in the literature in individuals with PRDM8-related conditions. ClinVar contains an entry for this variant (Variation ID: 659215). In summary, the available evidence is currently insufficient to determine the role of this variant in disease. Therefore, it has been classified as a Variant of Uncertain Significance. Algorithms developed to predict the effect of missense changes on protein structure and function are either unavailable or do not agree on the potential impact of this missense change (SIFT: "Deleterious"; PolyPhen-2: "Possibly Damaging"; Align-GVGD: "Class C0"). The frequency data for this variant in the population databases is considered unreliable, as metrics indicate insufficient coverage at this position in the ExAC database. This sequence change replaces glycine with serine at codon 476 of the PRDM8 protein (p.Gly476Ser). The glycine residue is weakly conserved and there is a small physicochemical difference between glycine and serine.